The following is an entry in ClinVar:

NM_138691.3(TMC1):c.1679A>T (p.Asp560Val)

Gene: TMC1 (transmembrane channel like 1; plus strand). Cytogenetic location: 9q21.13.
Variant type: single nucleotide variant.
Coding change: c.1679A>T on transcript NM_138691.3 (MANE Select); coding-DNA position 1679, A replaced by T.
Protein change: p.Asp560Val; replaces aspartic acid 560 with valine.
Molecular consequence: missense variant.
Genome position (GRCh38, 1-based): chr9:72,805,494, A>T. VCF-style: chr9-72805494-A-T. GRCh37 (hg19) VCF-style: chr9-75420410-A-T.
Other names: short protein forms D560V.
Identifiers: ClinVar variation 3378004 (VCV003378004.2).

ClinVar aggregate classification (germline): Uncertain significance (1 of 4 stars; one submission).

gnomAD v4.1: 6 of 1,610,080 alleles (0.00037%); highest among the groups gnomAD compares: Admixed American, 0.0067%; no homozygotes.

Submission:

GeneDx
Classification: Uncertain significance. Last evaluated: 2025-04-02. Review status: criteria provided, single submitter. Criteria: GeneDx Variant Classification Process June 2021. Collection method: clinical testing. Allele origin: germline. Affected: yes.
Comment: Reported in a patient with hearing loss who also harbors another TMC1 variant, but it is not known whether the variants occurred on the same (in cis) or on different (in trans) chromosomes (PMID: 37811145); In silico analysis supports that this missense variant has a deleterious effect on protein structure/function; This variant is associated with the following publications: (PMID: 37811145)